The following is an entry in ClinVar:

ClinVar aggregate classification (germline): Uncertain significance (1 of 4 stars; one submission).

Conditions:
Retinitis pigmentosa 73 (RP73). Identifiers: Orphanet 791, MedGen C4225287, MONDO:0014687, OMIM 616544.
Mucopolysaccharidosis, MPS-III-C (MPS3C). Also called: MPS IIIC (Sanfilippo Syndrome Type C); MUCOPOLYSACCHARIDOSIS, TYPE IIIC; Mucopolysaccharidosis type IIIC (Sanfilippo C); SANFILIPPO SYNDROME C; MPS III C; mucopolysaccharidosis type 3C. Identifiers: Orphanet 581, Orphanet 79271, MedGen C0086649, MONDO:0009657, OMIM 252930.

Allele frequency attached by ClinVar (database versions not stated): gnomAD exomes below 0.00001 and 0.00001; TOPMed 0.00001; gnomAD 0.00001.
gnomAD v4.1: 4 of 1,609,674 alleles (0.00025%); highest among the groups gnomAD compares: Admixed American, 0.0068%; no homozygotes.

Submission:

Labcorp Genetics (formerly Invitae), Labcorp
Classification: Uncertain significance for Retinitis pigmentosa 73; Mucopolysaccharidosis, MPS-III-C. Last evaluated: 2022-10-14. Review status: criteria provided, single submitter. Criteria: Invitae Variant Classification Sherloc (09022015). Collection method: clinical testing. Allele origin: germline.
Comment: This sequence change replaces leucine, which is neutral and non-polar, with proline, which is neutral and non-polar, at codon 62 of the HGSNAT protein (p.Leu62Pro). This variant is present in population databases (no rsID available, gnomAD 0.01%). This variant has not been reported in the literature in individuals affected with HGSNAT-related conditions. ClinVar contains an entry for this variant (Variation ID: 1396077). Advanced modeling of protein sequence and biophysical properties (such as structural, functional, and spatial information, amino acid conservation, physicochemical variation, residue mobility, and thermodynamic stability) has been performed at Invitae for this missense variant, however the output from this modeling did not meet the statistical confidence thresholds required to predict the impact of this variant on HGSNAT protein function. In summary, the available evidence is currently insufficient to determine the role of this variant in disease. Therefore, it has been classified as a Variant of Uncertain Significance.

NM_152419.3(HGSNAT):c.185T>C (p.Leu62Pro)

Gene: HGSNAT (heparan-alpha-glucosaminide N-acetyltransferase; plus strand). Cytogenetic location: 8p11.21.
Variant type: single nucleotide variant.
Coding change: c.185T>C on transcript NM_152419.3 (MANE Select); coding-DNA position 185, T replaced by C.
Protein change: p.Leu62Pro; replaces leucine 62 with proline.
Molecular consequence: missense variant. On other transcripts: 5 prime UTR variant (1).
Genome position (GRCh38, 1-based): chr8:43,147,014, T>C. VCF-style: chr8-43147014-T-C. GRCh37 (hg19) VCF-style: chr8-43002157-T-C.
Other names: c.185T>C, p.Leu62Pro (NM_001363227.2, NM_001363228.2); c.-649T>C (NM_001363229.2); short protein forms L62P.
Identifiers: ClinVar variation 1396077 (VCV001396077.4), dbSNP rs1304780108, ClinGen allele CA371124883.